The following is an entry in ClinVar:

ClinVar aggregate classification (germline): Benign (0 of 4 stars; one submission).

Conditions:
MS4A2-related disorder. Also called: MS4A2-related condition.

Allele frequency attached by ClinVar (database versions not stated): gnomAD exomes 0.00030; ExAC 0.00090; gnomAD 0.00280; TOPMed 0.00318; 1000 Genomes Project 0.00339; ESP Exome Variant Server 0.00339; 1000 Genomes Project 30x 0.00375.
gnomAD v4.1: 887 of 1,612,052 alleles (0.055%); highest among the groups gnomAD compares: African/African-American, 1.1%; 5 homozygotes.

Submission:

PreventionGenetics, part of Exact Sciences
Classification: Benign for MS4A2-related condition. Last evaluated: 2019-03-22. Review status: no assertion criteria provided. Collection method: clinical testing. Allele origin: germline.
Comment: This variant is classified as benign based on ACMG/AMP sequence variant interpretation guidelines (Richards et al. 2015 PMID: 25741868, with internal and published modifications).

NM_000139.5(MS4A2):c.15T>C (p.Ser5=)

Gene: MS4A2 (membrane spanning 4-domains A2; plus strand). Cytogenetic location: 11q12.1.
Variant type: single nucleotide variant.
Coding change: c.15T>C on transcript NM_000139.5 (MANE Select); coding-DNA position 15, T replaced by C.
Protein change: p.Ser5=; no amino-acid change (serine 5 retained).
Molecular consequence: synonymous variant.
Genome position (GRCh38, 1-based): chr11:60,088,780, T>C. VCF-style: chr11-60088780-T-C. GRCh37 (hg19) VCF-style: chr11-59856253-T-C.
Other names: c.15T>C, p.Ser5= (NM_001256916.2).
Identifiers: ClinVar variation 3042433 (VCV003042433.2), dbSNP rs35285786, ClinGen allele CA6022637.